The following is an entry in ClinVar:

ClinVar aggregate classification (germline): Uncertain significance (1 of 4 stars; one submission).

Conditions:
Baraitser-winter syndrome 2. Identifiers: Orphanet 2995, MedGen C3281235, MONDO:0013812, OMIM 614583.
Autosomal dominant nonsyndromic hearing loss 20. Identifiers: Orphanet 90635, MedGen C1858172, MONDO:0011480, OMIM 604717.

Submission:

Labcorp Genetics (formerly Invitae), Labcorp
Classification: Uncertain significance for Baraitser-winter syndrome 2; Autosomal dominant nonsyndromic hearing loss 20. Last evaluated: 2023-09-25. Review status: criteria provided, single submitter. Criteria: Invitae Variant Classification Sherloc (09022015). Collection method: clinical testing. Allele origin: germline.
Comment: In summary, the available evidence is currently insufficient to determine the role of this variant in disease. Therefore, it has been classified as a Variant of Uncertain Significance. Advanced modeling of protein sequence and biophysical properties (such as structural, functional, and spatial information, amino acid conservation, physicochemical variation, residue mobility, and thermodynamic stability) performed at Invitae indicates that this missense variant is not expected to disrupt ACTG1 protein function. ClinVar contains an entry for this variant (Variation ID: 2152294). This missense change has been observed in individual(s) with congenital bilateral deafness (PMID: 29986705). This variant is not present in population databases (gnomAD no frequency). This sequence change replaces serine, which is neutral and polar, with cysteine, which is neutral and slightly polar, at codon 145 of the ACTG1 protein (p.Ser145Cys).

Literature cited by the submitters: PubMed 29986705.

NM_001614.5(ACTG1):c.434C>G (p.Ser145Cys)

Gene: ACTG1 (actin gamma 1; minus strand). Cytogenetic location: 17q25.3.
Variant type: single nucleotide variant.
Coding change: c.434C>G on transcript NM_001614.5 (MANE Select); coding-DNA position 434, C replaced by G.
Protein change: p.Ser145Cys; replaces serine 145 with cysteine.
Molecular consequence: missense variant. On other transcripts: non-coding transcript variant (1).
Genome position (GRCh38, 1-based): chr17:81,511,556, G>C on the plus strand (C>G on the coding strand, the complement: ACTG1 is on the minus strand). VCF-style: chr17-81511556-G-C. GRCh37 (hg19) VCF-style: chr17-79478582-G-C.
Other names: c.434C>G, p.Ser145Cys (NM_001199954.3); short protein forms S145C.
Identifiers: ClinVar variation 2152294 (VCV002152294.4), dbSNP rs2143779274, ClinGen allele CA401461215.